The following is an entry in ClinVar:

NM_019066.5(MAGEL2):c.411T>G (p.Ala137=)

Gene: MAGEL2 (MAGE family member L2; minus strand). Cytogenetic location: 15q11.2.
Variant type: single nucleotide variant.
Coding change: c.411T>G on transcript NM_019066.5 (MANE Select); coding-DNA position 411, T replaced by G.
Protein change: p.Ala137=; no amino-acid change (alanine 137 retained).
Molecular consequence: synonymous variant.
Genome position (GRCh38, 1-based): chr15:23,647,332, A>C on the plus strand (T>G on the coding strand, the complement: MAGEL2 is on the minus strand). VCF-style: chr15-23647332-A-C. GRCh37 (hg19) VCF-style: chr15-23892479-A-C.
Identifiers: ClinVar variation 2859627 (VCV002859627.3), dbSNP rs1890440117, ClinGen allele CA2730292786.

ClinVar aggregate classification (germline): Uncertain significance (1 of 4 stars; one submission).

Submission:

Labcorp Genetics (formerly Invitae), Labcorp
Classification: Uncertain significance. Last evaluated: 2023-04-26. Review status: criteria provided, single submitter. Criteria: Invitae Variant Classification Sherloc (09022015). Collection method: clinical testing. Allele origin: germline.
Comment: This sequence change affects codon 137 of the MAGEL2 mRNA. It is a 'silent' change, meaning that it does not change the encoded amino acid sequence of the MAGEL2 protein. In summary, the available evidence is currently insufficient to determine the role of this variant in disease. Therefore, it has been classified as a Variant of Uncertain Significance. This variant has not been reported in the literature in individuals affected with MAGEL2-related conditions. This variant is not present in population databases (gnomAD no frequency).